The following is an entry in ClinVar:

NM_001378030.1(CCDC78):c.268-2_272del

Gene: CCDC78 (coiled-coil domain containing 78; minus strand). Cytogenetic location: 16p13.3.
Variant type: Deletion.
Coding change: c.268-2_272del on transcript NM_001378030.1 (MANE Select); the canonical splice acceptor site of the intron before coding-DNA position 268 through coding-DNA position 272, 7 bases deleted (AGATCCT; older notation c.268-2_272delAGATCCT).
Molecular consequence: splice acceptor variant. On other transcripts: intron variant (1).
Genome position (GRCh38, 1-based): chr16:725,576-725,582, AGGATCT deleted on the plus strand (AGATCCT on the coding strand, the reverse complement: CCDC78 is on the minus strand). VCF-style (leftmost placement, unchanged base first): chr16-725575-AAGGATCT-A. GRCh37 (hg19) VCF-style: chr16-775575-AAGGATCT-A.
Other names: c.-19+212_-19+218del (NM_001378033.1); c.268-2_272del (NM_001378031.1, NM_001031737.3).
Identifiers: ClinVar variation 1983956 (VCV001983956.4), dbSNP rs2544059762, ClinGen allele CA2580090981.

ClinVar aggregate classification (germline): Uncertain significance (1 of 4 stars; one submission).

Conditions:
Congenital myopathy with internal nuclei and atypical cores. Also called: Myopathy, centronuclear, 4. Identifiers: Orphanet 319160, MedGen C4707232, MONDO:0013890, OMIM 614807.

Submission:

Labcorp Genetics (formerly Invitae), Labcorp
Classification: Uncertain significance for Congenital myopathy with internal nuclei and atypical cores. Last evaluated: 2022-07-18. Review status: criteria provided, single submitter. Criteria: Invitae Variant Classification Sherloc (09022015). Collection method: clinical testing. Allele origin: germline.
Comment: In summary, the available evidence is currently insufficient to determine the role of this variant in disease. Therefore, it has been classified as a Variant of Uncertain Significance. Algorithms developed to predict the effect of sequence changes on RNA splicing suggest that this variant may disrupt the consensus splice site. This variant has not been reported in the literature in individuals affected with CCDC78-related conditions. This variant is not present in population databases (gnomAD no frequency). This variant results in the deletion of part of exon 4 (c.268-2_272del) of the CCDC78 gene. It is expected to disrupt RNA splicing. Variants that disrupt the donor or acceptor splice site typically lead to a loss of protein function (PMID: 16199547), however the current clinical and genetic evidence is not sufficient to establish whether loss-of-function variants in CCDC78 cause disease.

Literature cited by the submitters: PubMed 16199547.